The following is an entry in ClinVar:

ClinVar aggregate classification (germline): Uncertain significance (1 of 4 stars; one submission).

Submission:

GeneDx
Classification: Uncertain significance. Last evaluated: 2024-11-11. Review status: criteria provided, single submitter. Criteria: GeneDx Variant Classification Process June 2021. Collection method: clinical testing. Allele origin: germline. Affected: yes.
Comment: Not observed at significant frequency in large population cohorts (gnomAD); Has not been previously published as pathogenic or benign to our knowledge; In silico analysis does not support a benign or deleterious effect of this variant on protein structure/function

NM_000827.4(GRIA1):c.2588_2589delinsTT (p.Ser863Ile)

Gene: GRIA1 (glutamate ionotropic receptor AMPA type subunit 1; plus strand). Cytogenetic location: 5q33.2.
Variant type: Indel.
Coding change: c.2588_2589delinsTT on transcript NM_000827.4 (MANE Select); coding-DNA positions 2588 to 2589, GC replaced by TT.
Protein change: p.Ser863Ile; replaces serine 863 with isoleucine.
Molecular consequence: missense variant. On other transcripts: non-coding transcript variant (2).
Genome position (GRCh38, 1-based): chr5:153,811,092-153,811,093, GC replaced by TT. VCF-style: chr5-153811092-GC-TT. GRCh37 (hg19) VCF-style: chr5-153190652-GC-TT.
Other names: c.2588_2589delinsTT, p.Ser863Ile (NM_001114183.2); c.2348_2349delinsTT, p.Ser783Ile (NM_001258019.2); c.2303_2304delinsTT, p.Ser768Ile (NM_001258020.2); c.2618_2619delinsTT, p.Ser873Ile (NM_001258021.2, NM_001258022.2); c.2381_2382delinsTT, p.Ser794Ile (NM_001258023.1, NM_001364167.2); c.2420_2421delinsTT, p.Ser807Ile (NM_001364165.2); c.2615_2616delinsTT, p.Ser872Ile (NM_001364166.2); short protein forms S768I, S783I, S794I, S807I, S863I, S872I, S873I.
Identifiers: ClinVar variation 3898788 (VCV003898788.1).